The following is an entry in ClinVar:

NM_002880.4(RAF1):c.534C>T (p.Thr178=)

Gene: RAF1 (Raf-1 proto-oncogene, serine/threonine kinase; minus strand). Cytogenetic location: 3p25.2.
Variant type: single nucleotide variant.
Coding change: c.534C>T on transcript NM_002880.4 (MANE Select); coding-DNA position 534, C replaced by T.
Protein change: p.Thr178=; no amino-acid change (threonine 178 retained).
Molecular consequence: synonymous variant. On other transcripts: non-coding transcript variant (3).
Genome position (GRCh38, 1-based): chr3:12,608,813, G>A on the plus strand (C>T on the coding strand, the complement: RAF1 is on the minus strand). VCF-style: chr3-12608813-G-A. GRCh37 (hg19) VCF-style: chr3-12650312-G-A.
Other names: c.534C>T, p.Thr178= (NM_001354689.3, NM_001354690.3, NM_001354693.3); c.291C>T, p.Thr97= (NM_001354691.3, NM_001354692.3, NM_001354694.3 and 1 more transcripts).
Identifiers: ClinVar variation 507997 (VCV000507997.1), dbSNP rs1553614692, ClinGen allele CA432275695.

ClinVar aggregate classification (germline): Likely benign (1 of 4 stars; one submission).

Submission:

GeneDx
Classification: Likely benign. Last evaluated: 2017-03-10. Review status: criteria provided, single submitter. Criteria: GeneDx Variant Classification (06012015). Collection method: clinical testing. Allele origin: germline. Affected: yes.
Comment: This variant is considered likely benign or benign based on one or more of the following criteria: it is a conservative change, it occurs at a poorly conserved position in the protein, it is predicted to be benign by multiple in silico algorithms, and/or has population frequency not consistent with disease.